The following is an entry in ClinVar:

NM_004046.6(ATP5F1A):c.44_46del (p.Pro15del)

Genes: ATP5F1A (ATP synthase F1 subunit alpha; minus strand), LOC126862738 (BRD4-independent group 4 enhancer GRCh37_chr18:43677662-43678861; plus strand). Cytogenetic location: 18q21.1.
Variant type: Deletion.
Coding change: c.44_46del on transcript NM_004046.6 (MANE Select); coding-DNA positions 44 to 46, 3 bases deleted (CTC; older notation c.44_46delCTC).
Protein change: p.Pro15del; deletes proline 15.
Molecular consequence: inframe deletion. On other transcripts: 5 prime UTR variant (2).
Genome position (GRCh38, 1-based): chr18:46,098,186-46,098,188, GAG deleted on the plus strand (CTC on the coding strand, the reverse complement: ATP5F1A is on the minus strand); deleting any 3 consecutive bases within chr18:46,098,186-46,098,190 gives the same sequence; the c. name uses the placement nearest the transcript's 3' end. VCF-style (leftmost placement, unchanged base first): chr18-46098185-CGAG-C. GRCh37 (hg19) VCF-style: chr18-43678151-CGAG-C.
Other names: c.-180_-178del (NM_001001935.3); c.44_46del, p.Pro15del (NM_001001937.2, NM_001257334.2); c.-443_-441del (NM_001257335.2); short protein forms P15del.
Identifiers: ClinVar variation 1918815 (VCV001918815.5), dbSNP rs759347281, ClinGen allele CA8950989.
Genomic context (GRCh38, chr18:46,098,185, plus strand): 5'-TGCAGCCCCACCCGGCCGCCTGCATCATGCCGGCCTTCGGTGCTCACCAGTCCGGCCCGC[CGAG>C]GAAGGGCGCGGACCACGGCCGCAGCAACGCGCACGGACAGCATCTTTGCAGTTACTCCGC-3'

ClinVar aggregate classification (germline): Uncertain significance (1 of 4 stars; one submission).

Submission:

Labcorp Genetics (formerly Invitae), Labcorp
Classification: Uncertain significance. Last evaluated: 2021-12-19. Review status: criteria provided, single submitter. Criteria: Invitae Variant Classification Sherloc (09022015). Collection method: clinical testing. Allele origin: germline.
Comment: This variant, c.44_46del, results in the deletion of 1 amino acid(s) of the ATP5A1 protein (p.Pro15del), but otherwise preserves the integrity of the reading frame. Information on the frequency of this variant in the gnomAD database is not available, as this variant may be reported differently in the database. This variant has not been reported in the literature in individuals affected with ATP5A1-related conditions. Experimental studies and prediction algorithms are not available or were not evaluated, and the functional significance of this variant is currently unknown. In summary, the available evidence is currently insufficient to determine the role of this variant in disease. Therefore, it has been classified as a Variant of Uncertain Significance.